The following is an entry in ClinVar:

ClinVar aggregate classification (germline): Benign. Review status: criteria provided, single submitter (1 of 4 stars). 2 submissions from 2 submitters: Benign (1). 1 of the submissions does not count toward it. Last evaluated 2024-11-27.

Conditions:
ZFHX3-related disorder. Also called: ZFHX3-related condition.

Allele frequency attached by ClinVar (database versions not stated): TOPMed 0.46973; 1000 Genomes Project 0.47045; ESP Exome Variant Server 0.47390; 1000 Genomes Project 30x 0.47923.
gnomAD v4.1: 655,627 of 1,596,348 alleles (41%); highest among the groups gnomAD compares: African/African-American, 71%; 140,363 homozygotes.

Submissions (2):

Blueprint Genetics
Classification: Benign. Last evaluated: 2024-11-27. Review status: criteria provided, single submitter. Criteria: ACMG Guidelines, 2015. Collection method: clinical testing. Allele origin: germline.

PreventionGenetics, part of Exact Sciences
Classification: Benign for ZFHX3-related condition. Last evaluated: 2019-10-21. Review status: no assertion criteria provided. Collection method: clinical testing. Allele origin: germline. Not counted in ClinVar's aggregate classification.
Comment: This variant is classified as benign based on ACMG/AMP sequence variant interpretation guidelines (Richards et al. 2015 PMID: 25741868, with internal and published modifications).

NM_006885.4(ZFHX3):c.214T>G (p.Ser72Ala)

Gene: ZFHX3 (zinc finger homeobox 3; minus strand). Cytogenetic location: 16q22.3.
Variant type: single nucleotide variant.
Coding change: c.214T>G on transcript NM_006885.4 (MANE Select); coding-DNA position 214, T replaced by G.
Protein change: p.Ser72Ala; replaces serine 72 with alanine.
Molecular consequence: missense variant. On other transcripts: intron variant (1).
Genome position (GRCh38, 1-based): chr16:72,959,932, A>C on the plus strand (T>G on the coding strand, the complement: ZFHX3 is on the minus strand). VCF-style: chr16-72959932-A-C. GRCh37 (hg19) VCF-style: chr16-72993831-A-C.
Other names: c.214T>G, p.Ser72Ala (NM_001386735.1); c.-23-8967T>G (NM_001164766.2); short protein forms S72A.
Identifiers: ClinVar variation 3060596 (VCV003060596.3), dbSNP rs7193297, ClinGen allele CA8165062.